The following is an entry in ClinVar:

ClinVar aggregate classification (germline): Uncertain significance (1 of 4 stars; one submission).

Submission:

GeneDx
Classification: Uncertain significance. Last evaluated: 2025-11-18. Review status: criteria provided, single submitter. Criteria: GeneDx Variant Classification Process June 2021. Collection method: clinical testing. Allele origin: germline.
Comment: Not observed at significant frequency in large population cohorts (gnomAD); In silico analysis supports that this missense variant has a deleterious effect on protein structure/function; Has not been previously published as pathogenic or benign to our knowledge

NM_207037.2(TCF12):c.419T>C (p.Leu140Pro)

Gene: TCF12 (transcription factor 12; plus strand). Cytogenetic location: 15q21.3.
Variant type: single nucleotide variant.
Coding change: c.419T>C on transcript NM_207037.2 (MANE Select); coding-DNA position 419, T replaced by C.
Protein change: p.Leu140Pro; replaces leucine 140 with proline.
Molecular consequence: missense variant. On other transcripts: 5 prime UTR variant (1).
Genome position (GRCh38, 1-based): chr15:57,192,186, T>C. VCF-style: chr15-57192186-T-C. GRCh37 (hg19) VCF-style: chr15-57484384-T-C.
Other names: c.419T>C, p.Leu140Pro (NM_001322151.2, NM_001322152.2, NM_001322157.3 and 7 more transcripts); c.-239T>C (NM_001322154.2); c.245T>C, p.Leu82Pro (NM_001322156.2, NM_001322158.2); c.455T>C, p.Leu152Pro (NM_001322164.2); short protein forms L140P, L152P, L82P.
Identifiers: ClinVar variation 3364647 (VCV003364647.2).